The following is an entry in ClinVar:

ClinVar aggregate classification (germline): Uncertain significance (1 of 4 stars; one submission).

Submission:

GeneDx
Classification: Uncertain significance. Last evaluated: 2026-10-06. Review status: criteria provided, single submitter. Criteria: GeneDx Variant Classification Process June 2021. Collection method: clinical testing. Allele origin: germline.
Comment: Not observed at significant frequency in large population cohorts (gnomAD); In silico analysis suggests that this missense variant does not alter protein structure/function; Has not been previously published as pathogenic or benign to our knowledge

NM_207037.2(TCF12):c.1523C>A (p.Ser508Tyr)

Gene: TCF12 (transcription factor 12; plus strand). Cytogenetic location: 15q21.3.
Variant type: single nucleotide variant.
Coding change: c.1523C>A on transcript NM_207037.2 (MANE Select); coding-DNA position 1523, C replaced by A.
Protein change: p.Ser508Tyr; replaces serine 508 with tyrosine.
Molecular consequence: missense variant.
Genome position (GRCh38, 1-based): chr15:57,262,149, C>A. VCF-style: chr15-57262149-C-A. GRCh37 (hg19) VCF-style: chr15-57554347-C-A.
Other names: c.1013C>A, p.Ser338Tyr (NM_001306219.3); c.743C>A, p.Ser248Tyr (NM_001306220.3); c.1523C>A, p.Ser508Tyr (NM_001322151.2, NM_001322152.2, NM_001322159.3 and 2 more transcripts); c.866C>A, p.Ser289Tyr (NM_001322154.2); c.1349C>A, p.Ser450Tyr (NM_001322156.2); c.1451C>A, p.Ser484Tyr (NM_001322157.3, NM_001322165.2, NM_003205.4 and 1 more transcripts); c.1277C>A, p.Ser426Tyr (NM_001322158.2); c.1520C>A, p.Ser507Tyr (NM_001322161.2); and 2 more; short protein forms S248Y, S289Y, S314Y, S338Y, S426Y, S450Y, S484Y, S496Y.
Identifiers: ClinVar variation 3369183 (VCV003369183.2).